The following continues an entry in ClinVar:

NM_000372.5(TYR):c.1217C>T (p.Pro406Leu)

Gene: TYR. ClinVar aggregate classification (germline): Conflicting classifications of pathogenicity. Pathogenic (22); Likely pathogenic (13); Uncertain significance (1).

Submissions 9 to 26 of 42:

Laboratory of Genetic Epidemiology, Research Centre for Medical Genetics
Classification: Uncertain significance for Oculocutaneous albinism type 1A; Oculocutaneous albinism type 1B. Last evaluated: 2025-01-01. Review status: criteria provided, single submitter. Criteria: ACMG Guidelines, 2015. Collection method: clinical testing. Allele origin: unknown. Inheritance: Autosomal recessive inheritance. Affected: yes. Observed: 1 heterozygote.
Comment: This variant has been previously reported in the literature multiple times (PMIDs: 1903591, 27775880, 38219857) and is listed in gnomAD v3.1.2 with allele frequency 0.01 in Europe (115/10622), in three cases in homozygous state. The affected amino acid position is not evolutionarily conserved (AlphaMissense, ConSurf), but multiple in silico prediction tools support a deleterious effect (PolyPhen2, REVEL, Meta LR). Taken together, the variant meets the following ACMG/AMP criteria and can be classified as uncertain significance with PP4, PP5 criteria.

Blueprint Genetics
Classification: Pathogenic for TYR-related disorders. Last evaluated: 2024-11-27. Review status: criteria provided, single submitter. Criteria: ACMG Guidelines, 2015. Collection method: clinical testing. Allele origin: germline. Affected: yes. Observed: 5 variant alleles.

Greenwood Genetic Center Diagnostic Laboratories, Greenwood Genetic Center
Classification: Pathogenic for TYR-related disorder. Last evaluated: 2024-11-12. Review status: criteria provided, single submitter. Criteria: ACMG Guidelines, 2015. Collection method: clinical testing. Allele origin: germline. Affected: yes.
Comment: PP3, PS3, PM3_strong, PM1_supporting)

NHS Central & South Genomic Laboratory Hub
Classification: Pathogenic for Albinism or congenital nystagmus. Last evaluated: 2024-11-11. Review status: criteria provided, single submitter. Criteria: ACMG Guidelines, 2015. Collection method: clinical testing. Allele origin: germline. Affected: yes.

GeneDx
Classification: Likely pathogenic. Last evaluated: 2024-09-04. Review status: criteria provided, single submitter. Criteria: GeneDx Variant Classification Process June 2021. Collection method: clinical testing. Allele origin: germline. Affected: yes.
Comment: Reported in additional patients with features of oculocutaneous albinism in the literature, however, some of these patients also had additional TYR variants on the same allele (in cis), including p.(A355P) and p.(P431T), or with the phase of the variants not confirmed (PMID: 1903591, 13680365, 15146472, 18463683, 21541274, 34897530); Published functional studies suggest a damaging effect with temperature-sensitive tyrosine hydroxylase activity and abnormal subcellular trafficking compared to wild type (PMID: 1429711, 9242509, 11284711, 27775880); In silico analysis supports that this missense variant has a deleterious effect on protein structure/function; This variant is associated with the following publications: (PMID: 24123366, 21906913, 25333069, 28667292, 22734612, 27887888, 31382929, 31322791, 31980526, 34426522, 31589614, 31719542, 38465142, 37685839, 33995009, 33808351, 32411182, 38542347, 1429711, 34360537, 9242509, 1903591, 13680365, 15146472, 20861488, 25216246, 11284711, 27775880, 34897530, 37734845, 18463683, 21541274, 28976636, 30609409, 34838614, 37217489, 35741834)

Revvity Omics, Revvity
Classification: Likely pathogenic. Last evaluated: 2024-08-22. Review status: criteria provided, single submitter. Criteria: ACMG Guidelines, 2015. Collection method: clinical testing. Allele origin: germline.

Fulgent Genetics
Classification: Likely pathogenic for Oculocutaneous albinism type 1A; SKIN/HAIR/EYE PIGMENTATION 3, LIGHT/DARK SKIN; Oculocutaneous albinism type 1B. Last evaluated: 2024-06-11. Review status: criteria provided, single submitter. Criteria: ACMG Guidelines, 2015. Collection method: clinical testing. Allele origin: germline.

Baylor Genetics
Classification: Likely pathogenic for SKIN/HAIR/EYE PIGMENTATION 3, LIGHT/DARK SKIN. Last evaluated: 2024-03-30. Review status: criteria provided, single submitter. Criteria: ACMG Guidelines, 2015. Collection method: clinical testing. Allele origin: unknown.

Genomic Medicine Center of Excellence, King Faisal Specialist Hospital and Research Centre
Classification: Pathogenic for Oculocutaneous albinism type 1A. Last evaluated: 2024-03-29. Review status: criteria provided, single submitter. Criteria: ACMG Guidelines, 2015. Collection method: clinical testing. Allele origin: germline.

Women's Health and Genetics/Laboratory Corporation of America, LabCorp
Classification: Pathogenic for Oculocutaneous albinism. Last evaluated: 2023-02-14. Review status: criteria provided, single submitter. Criteria: LabCorp Variant Classification Summary - May 2015. Collection method: clinical testing. Allele origin: germline.
Comment: Variant summary: TYR c.1217C>T (p.Pro406Leu) results in a non-conservative amino acid change in the encoded protein sequence. Five of five in-silico tools predict a damaging effect of the variant on protein function. The variant allele was found at a frequency of 0.0038 in 250392 control chromosomes in the gnomAD database, including 4 homozygotes. This frequency is not significantly higher than estimated for a pathogenic variant in TYR causing Oculocutaneous Albinism (0.0038 vs 0.0056), allowing no conclusion about variant significance. c.1217C>T has been reported in the literature in individuals affected with Oculocutaneous Albinism. These data indicate that the variant is likely to be associated with disease. At least one publication reports experimental evidence evaluating an impact on protein function and showed that this variant results in less catalytic activity than the wild-type. Twenty-one clinical diagnostic laboratories have submitted clinical-significance assessments for this variant to ClinVar after 2014 without evidence for independent evaluation. Multiple laboratories reported the variant with conflicting assessments (Pathogenic/likely pathogenic n=18, benign n=1, VUS n=2). Based on the evidence outlined above, the variant was classified as pathogenic.

MGZ Medical Genetics Center
Classification: Pathogenic for Oculocutaneous albinism type 1A. Last evaluated: 2022-02-24. Review status: criteria provided, single submitter. Criteria: ACMG Guidelines, 2015. Collection method: clinical testing. Allele origin: germline. Affected: yes. Observed: 3 variant alleles.
Comment: ACMG criteria applied: PS4, PM1, PM3, PS3_SUP, PP1, PP3

Genome-Nilou Lab
Classification: Pathogenic for Oculocutaneous albinism type 1A. Last evaluated: 2021-07-22. Review status: criteria provided, single submitter. Criteria: ACMG Guidelines, 2015. Collection method: clinical testing. Allele origin: germline. Affected: no.

Kariminejad - Najmabadi Pathology & Genetics Center
Classification: Likely pathogenic for Abnormality of the skin. Last evaluated: 2021-07-10. Review status: criteria provided, single submitter. Criteria: ACMG Guidelines, 2015. Collection method: clinical testing. Allele origin: germline. Affected: yes.

Mendelics
Classification: Pathogenic for Oculocutaneous albinism type 1A. Last evaluated: 2019-05-28. Review status: criteria provided, single submitter. Criteria: Mendelics Assertion Criteria 2017. Collection method: clinical testing. Allele origin: unknown.

Foundation for Research in Genetics and Endocrinology, FRIGE's Institute of Human Genetics
Classification: Pathogenic for Oculocutaneous albinism type 1A. Last evaluated: 2019-02-27. Review status: criteria provided, single submitter. Criteria: ACMG Guidelines, 2015. Collection method: clinical testing. Allele origin: germline. Inheritance: Autosomal recessive inheritance. Affected: yes. Observed: 1 compound heterozygote.
Comment: The observed variant NM_000372.4 :c.1217C>T (p.Pro406Leu) is a missense variation found in exon 4 of the TYR gene. It is a known pathogenic variant and has been reported in the ExAC and gnomAD database with an allele frequency of 0.003489 and 0.003845, respectively. The in silico prediction of this variant is disease causing by MutationTaster2. In summary, the variant meets the ACMG criteria to be classified as pathogenic based upon the evidence stated above.

Fulgent Genetics
Classification: Likely pathogenic for Oculocutaneous albinism type 1A; SKIN/HAIR/EYE PIGMENTATION 3, LIGHT/DARK SKIN; Oculocutaneous albinism type 1B. Last evaluated: 2018-10-31. Review status: criteria provided, single submitter. Criteria: ACMG Guidelines, 2015. Collection method: clinical testing. Allele origin: unknown.

Genomic Research Center, Shahid Beheshti University of Medical Sciences
Classification: Likely pathogenic for Oculocutaneous albinism type 1B. Last evaluated: 2018-08-07. Review status: criteria provided, single submitter. Criteria: ACMG Guidelines, 2015. Collection method: clinical testing. Allele origin: inherited. Affected: no. Observed: 1 variant allele.

Illumina Laboratory Services, Illumina
Classification: Pathogenic for Oculocutaneous albinism. Last evaluated: 2017-08-24. Review status: criteria provided, single submitter. Criteria: ICSL Variant Classification Criteria 09 May 2019. Collection method: clinical testing. Allele origin: germline.
Comment: The TYR c.1217C>T (p.Pro406Leu) missense variant has been reported in five studies in which it is found in at least 25 patients with oculocutaneous albinism (OCA) including in 13 patients in a homozygous state, four patients in a compound heterozygous state, two patients in a heterozygous state, and six individuals whose zygosity was not reported (Giebel et al. 1991; Hutton et al. 2008; Gargiulo et al. 2011; Jaworek et al. 2012; Ghodsinejad Kalahroudi et al. 2014). When clinical subtypes were described, the majority of affected individuals were reported to have OCA type 1. The variant was also detected in nine unaffected heterozygous carriers (Giebel LB et al. 1991). Khordadpoor-Deilamani et al. (2016) additionally found one patient with the p.Pro406Leu variant in a heterozygous state who also carried a homozugous frameshift variant in the SLC45A2 gene. The p.Pro406Leu variant was absent from at least 372 control chromosomes but is reported at a frequency of 0.00696 in the European population of the 1000 Genomes Project. Giebel et al. (1991) demonstrated that the tyrosinase activity in HeLa cells transfected with the p.Pro406Leu variant had only 7% of the activity of wild type. Toyofuku et al. (2001) expressed the p.Pro406Leu variant in COS7 cells and demonstrated that the variant protein is mislocalized, is more sensitive to endoglycosidase H digestion, and degrades more rapidly than wild type protein. Based on the collective evidence, the p.Pro406Leu variant is classified as pathogenic for oculocutaneous albinism. This variant was observed by ICSL as part of a predisposition screen in an ostensibly healthy population.